The following is an entry in ClinVar:

ClinVar aggregate classification (germline): Uncertain significance (1 of 4 stars; one submission).

Allele frequency attached by ClinVar (database versions not stated): gnomAD exomes below 0.00001; TOPMed below 0.00001; gnomAD 0.00001.
gnomAD v4.1: 2 of 1,574,706 alleles (0.00013%); highest among the groups gnomAD compares: Non-Finnish European, 0.00017%; no homozygotes.

Submission:

Labcorp Genetics (formerly Invitae), Labcorp
Classification: Uncertain significance. Last evaluated: 2019-08-06. Review status: criteria provided, single submitter. Criteria: Invitae Variant Classification Sherloc (09022015). Collection method: clinical testing. Allele origin: germline.
Comment: In summary, the available evidence is currently insufficient to determine the role of this variant in disease. Therefore, it has been classified as a Variant of Uncertain Significance. Nucleotide substitutions within the consensus splice site are a relatively common cause of aberrant splicing (PMID: 17576681, 9536098). Algorithms developed to predict the effect of sequence changes on RNA splicing suggest that this variant may disrupt the consensus splice site, but this prediction has not been confirmed by published transcriptional studies. This sequence change falls in intron 17 of the PDE6C gene. It does not directly change the encoded amino acid sequence of the PDE6C protein, but it affects a nucleotide within the consensus splice site of the intron. This variant is not present in population databases (ExAC no frequency). This variant has not been reported in the literature in individuals with PDE6C-related conditions.

Literature cited by the submitters: PubMed 17576681; PubMed 9536098.

NM_006204.4(PDE6C):c.2144+5G>A

Gene: PDE6C (phosphodiesterase 6C; plus strand). Cytogenetic location: 10q23.33.
Variant type: single nucleotide variant.
Coding change: c.2144+5G>A on transcript NM_006204.4 (MANE Select); 5 bases into the intron after coding-DNA position 2144, G replaced by A.
Molecular consequence: intron variant.
Genome position (GRCh38, 1-based): chr10:93,659,013, G>A. VCF-style: chr10-93659013-G-A. GRCh37 (hg19) VCF-style: chr10-95418770-G-A.
Identifiers: ClinVar variation 948327 (VCV000948327.7), dbSNP rs2058654100, ClinGen allele CA931300844.